The following is an entry in ClinVar:

NM_001035.3(RYR2):c.12487C>G (p.Pro4163Ala)

Genes: RYR2 (ryanodine receptor 2; plus strand), LOC126806068 (BRD4-independent group 4 enhancer GRCh37_chr1:237947411-237948610; plus strand). Cytogenetic location: 1q43.
Variant type: single nucleotide variant.
Coding change: c.12487C>G on transcript NM_001035.3 (MANE Select); coding-DNA position 12487, C replaced by G.
Protein change: p.Pro4163Ala; replaces proline 4163 with alanine.
Molecular consequence: missense variant.
Genome position (GRCh38, 1-based): chr1:237,784,199, C>G. VCF-style: chr1-237784199-C-G. GRCh37 (hg19) VCF-style: chr1-237947499-C-G.
Other names: short protein forms P4163A.
Identifiers: ClinVar variation 2900910 (VCV002900910.3), dbSNP rs1695361858, ClinGen allele CA345413450.

ClinVar aggregate classification (germline): Uncertain significance (1 of 4 stars; one submission).

Conditions:
Catecholaminergic polymorphic ventricular tachycardia 1. Also called: VENTRICULAR TACHYCARDIA, STRESS-INDUCED POLYMORPHIC 1; VENTRICULAR TACHYCARDIA, CATECHOLAMINERGIC POLYMORPHIC, 1, WITH OR WITHOUT ATRIAL DYSFUNCTION AND/OR DILATED CARDIOMYOPATHY; RYR2-Related Catecholaminergic Polymorphic Ventricular Tachycardia. Identifiers: Orphanet 3286, MedGen C1631597, MONDO:0011484, OMIM 604772.

Submission:

Labcorp Genetics (formerly Invitae), Labcorp
Classification: Uncertain significance for Catecholaminergic polymorphic ventricular tachycardia 1. Last evaluated: 2023-07-07. Review status: criteria provided, single submitter. Criteria: Invitae Variant Classification Sherloc (09022015). Collection method: clinical testing. Allele origin: germline.
Comment: In summary, the available evidence is currently insufficient to determine the role of this variant in disease. Therefore, it has been classified as a Variant of Uncertain Significance. Advanced modeling of protein sequence and biophysical properties (such as structural, functional, and spatial information, amino acid conservation, physicochemical variation, residue mobility, and thermodynamic stability) performed at Invitae indicates that this missense variant is expected to disrupt RYR2 protein function. This variant has not been reported in the literature in individuals affected with RYR2-related conditions. This variant is not present in population databases (gnomAD no frequency). This sequence change replaces proline, which is neutral and non-polar, with alanine, which is neutral and non-polar, at codon 4163 of the RYR2 protein (p.Pro4163Ala).